The following is an entry in ClinVar:

NM_001164665.2(KIAA1549):c.2422C>G (p.Leu808Val)

Gene: KIAA1549 (KIAA1549; minus strand). Cytogenetic location: 7q34.
Variant type: single nucleotide variant.
Coding change: c.2422C>G on transcript NM_001164665.2 (MANE Select); coding-DNA position 2422, C replaced by G.
Protein change: p.Leu808Val; replaces leucine 808 with valine.
Molecular consequence: missense variant.
Genome position (GRCh38, 1-based): chr7:138,917,204, G>C on the plus strand (C>G on the coding strand, the complement: KIAA1549 is on the minus strand). VCF-style: chr7-138917204-G-C. GRCh37 (hg19) VCF-style: chr7-138601950-G-C.
Other names: c.2422C>G, p.Leu808Val (NM_020910.3); c.2422C>G (NM_001164665.1); short protein forms L808V.
Identifiers: ClinVar variation 1361603 (VCV001361603.4), dbSNP rs369452998, ClinGen allele CA4506514.
Genomic context (GRCh38, chr7:138,917,204, plus strand): 5'-AAGAGGCCAGGACAGACACGTGACCGTCTAGAGCACTGATTTGGTCGTCAGGAGGTGTCA[G>C]AGTTGAGAACAAAGAAGACTCAGTTAAAATGGGCGTTGTGTGGACAGTGGTCAATGGTGA-3'
Protein context (NP_001158137.1, residues 798-818): ILTESSLFST[Leu808Val]TPPDDQISAL

ClinVar aggregate classification (germline): Uncertain significance. Review status: criteria provided, multiple submitters, no conflicts (2 of 4 stars). 2 submissions from 2 submitters: Uncertain significance (2). Last evaluated 2025-06-11.

Conditions:
Inborn genetic diseases. Identifiers: MedGen C0950123, MeSH D030342.

Allele frequency attached by ClinVar (database versions not stated): gnomAD exomes 0.00004 and 0.00002; ESP Exome Variant Server 0.00008; TOPMed 0.00001; ExAC 0.00004; gnomAD 0.00003.
gnomAD v4.1: 27 of 1,613,878 alleles (0.0017%); highest among the groups gnomAD compares: Admixed American, 0.0083%; no homozygotes.

Submissions (2):

Ambry Genetics
Classification: Uncertain significance for Inborn genetic diseases. Last evaluated: 2025-06-11. Review status: criteria provided, single submitter. Criteria: Ambry Variant Classification Scheme 2023. Collection method: clinical testing. Allele origin: germline.

Labcorp Genetics (formerly Invitae), Labcorp
Classification: Uncertain significance. Last evaluated: 2021-11-12. Review status: criteria provided, single submitter. Criteria: Invitae Variant Classification Sherloc (09022015). Collection method: clinical testing. Allele origin: germline.
Comment: This sequence change replaces leucine, which is neutral and non-polar, with valine, which is neutral and non-polar, at codon 808 of the KIAA1549 protein (p.Leu808Val). This variant is present in population databases (rs369452998, gnomAD 0.01%). This variant has not been reported in the literature in individuals affected with KIAA1549-related conditions. Algorithms developed to predict the effect of missense changes on protein structure and function (SIFT, PolyPhen-2, Align-GVGD) all suggest that this variant is likely to be tolerated. In summary, the available evidence is currently insufficient to determine the role of this variant in disease. Therefore, it has been classified as a Variant of Uncertain Significance.